The following is an entry in ClinVar:

ClinVar aggregate classification (germline): Likely pathogenic (1 of 4 stars; one submission).

Submission:

Labcorp Genetics (formerly Invitae), Labcorp
Classification: Likely pathogenic. Last evaluated: 2024-02-14. Review status: criteria provided, single submitter. Criteria: Invitae Variant Classification Sherloc (09022015). Collection method: clinical testing. Allele origin: germline.
Comment: This sequence change affects an acceptor splice site in intron 3 of the DGAT1 gene. It is expected to disrupt RNA splicing. Variants that disrupt the donor or acceptor splice site typically lead to a loss of protein function (PMID: 16199547), and loss-of-function variants in DGAT1 are known to be pathogenic (PMID: 29604290). This variant is present in population databases (no rsID available, gnomAD 0.0009%). This variant has not been reported in the literature in individuals affected with DGAT1-related conditions. Algorithms developed to predict the effect of sequence changes on RNA splicing suggest that this variant may disrupt the consensus splice site. In summary, the currently available evidence indicates that the variant is pathogenic, but additional data are needed to prove that conclusively. Therefore, this variant has been classified as Likely Pathogenic.

Literature cited by the submitters: PubMed 16199547; PubMed 29604290.

NM_012079.6(DGAT1):c.330-1G>A

Gene: DGAT1 (diacylglycerol O-acyltransferase 1; minus strand). Cytogenetic location: 8q24.3.
Variant type: single nucleotide variant.
Coding change: c.330-1G>A on transcript NM_012079.6 (MANE Select); the canonical splice acceptor site of the intron before coding-DNA position 330, G replaced by A.
Molecular consequence: splice acceptor variant.
Genome position (GRCh38, 1-based): chr8:144,318,921, C>T on the plus strand (G>A on the coding strand, the complement: DGAT1 is on the minus strand). VCF-style: chr8-144318921-C-T. GRCh37 (hg19) VCF-style: chr8-145542584-C-T.
Identifiers: ClinVar variation 3692414 (VCV003692414.2).